The following is an entry in ClinVar:

ClinVar aggregate classification (germline): Uncertain significance. Review status: criteria provided, multiple submitters, no conflicts (2 of 4 stars). 2 submissions from 2 submitters: Uncertain significance (2). Last evaluated 2022-03-29.

Conditions:
Spermatogenic failure 18. Identifiers: MedGen C4539783, MONDO:0054615, OMIM 617576.
Ciliary dyskinesia, primary, 37 (CILD37). Also called: CILIARY DYSKINESIA, PRIMARY, 37, WITH OR WITHOUT SITUS INVERSUS. Identifiers: MedGen C4539798, MONDO:0033204, OMIM 617577.

Allele frequency attached by ClinVar (database versions not stated): gnomAD 0.00001; TOPMed 0.00001; ESP Exome Variant Server 0.00008.
gnomAD v4.1: 12 of 1,596,548 alleles (0.00075%); highest among the groups gnomAD compares: Non-Finnish European, 0.001%; no homozygotes.

Submissions (2):

Labcorp Genetics (formerly Invitae), Labcorp
Classification: Uncertain significance for Ciliary dyskinesia, primary, 37; Spermatogenic failure 18. Last evaluated: 2022-03-29. Review status: criteria provided, single submitter. Criteria: Invitae Variant Classification Sherloc (09022015). Collection method: clinical testing. Allele origin: germline.
Comment: In summary, the available evidence is currently insufficient to determine the role of this variant in disease. Therefore, it has been classified as a Variant of Uncertain Significance. Algorithms developed to predict the effect of missense changes on protein structure and function are either unavailable or do not agree on the potential impact of this missense change (SIFT: "Deleterious"; PolyPhen-2: "Benign"; Align-GVGD: "Class C0"). ClinVar contains an entry for this variant (Variation ID: 649965). This variant has not been reported in the literature in individuals affected with DNAH1-related conditions. The frequency data for this variant in the population databases is considered unreliable, as metrics indicate poor data quality at this position in the gnomAD database. This sequence change replaces threonine, which is neutral and polar, with lysine, which is basic and polar, at codon 1843 of the DNAH1 protein (p.Thr1843Lys).

Blueprint Genetics
Classification: Uncertain significance. Last evaluated: 2021-05-14. Review status: criteria provided, single submitter. Criteria: ACMG Guidelines, 2015. Collection method: clinical testing. Allele origin: germline.

NM_015512.5(DNAH1):c.5528C>A (p.Thr1843Lys)

Gene: DNAH1 (dynein axonemal heavy chain 1; plus strand). Cytogenetic location: 3p21.1.
Variant type: single nucleotide variant.
Coding change: c.5528C>A on transcript NM_015512.5 (MANE Select); coding-DNA position 5528, C replaced by A.
Protein change: p.Thr1843Lys; replaces threonine 1843 with lysine.
Molecular consequence: missense variant.
Genome position (GRCh38, 1-based): chr3:52,366,466, C>A. VCF-style: chr3-52366466-C-A. GRCh37 (hg19) VCF-style: chr3-52400482-C-A.
Other names: short protein forms T1843K.
Identifiers: ClinVar variation 649965 (VCV000649965.7), dbSNP rs368356036, ClinGen allele CA2434237.